The following is an entry in ClinVar:

NM_001039591.3(USP9X):c.6853T>C (p.Tyr2285His)

Gene: USP9X (ubiquitin specific peptidase 9 X-linked; plus strand). Cytogenetic location: Xp11.4.
Variant type: single nucleotide variant.
Coding change: c.6853T>C on transcript NM_001039591.3 (MANE Select); coding-DNA position 6853, T replaced by C.
Protein change: p.Tyr2285His; replaces tyrosine 2285 with histidine.
Molecular consequence: missense variant.
Genome position (GRCh38, 1-based): chrX:41,224,843, T>C. VCF-style: chrX-41224843-T-C. GRCh37 (hg19) VCF-style: chrX-41084096-T-C.
Other names: c.6853T>C, p.Tyr2285His (NM_001039590.3); short protein forms Y2285H.
Identifiers: ClinVar variation 1700502 (VCV001700502.2), dbSNP rs2147266129, ClinGen allele CA412749995.
Genomic context (GRCh38, chrX:41,224,843, plus strand): 5'-TCACAACCTATAATGCCAATTCAGCAGAATGTGGCAGACATTTTATTTGTGAGAACAAGT[T>C]ATGTGAAGAAAATCATTGAAGACTGCAGTAATTCAGAGGAAACCGTCAAATTGCTTCGTT-3'
Protein context (NP_001034680.2, residues 2275-2295): VADILFVRTS[Tyr2285His]VKKIIEDCSN

ClinVar aggregate classification (germline): Uncertain significance (1 of 4 stars; one submission).

Submission:

GeneDx
Classification: Uncertain significance. Last evaluated: 2022-02-03. Review status: criteria provided, single submitter. Criteria: GeneDx Variant Classification Process June 2021. Collection method: clinical testing. Allele origin: germline. Affected: yes.
Comment: Not observed at significant frequency in large population cohorts (gnomAD); In silico analysis supports that this missense variant has a deleterious effect on protein structure/function; Has not been previously published as pathogenic or benign to our knowledge